The following is an entry in ClinVar:

NM_000051.4(ATM):c.4986T>A (p.Thr1662=)

Gene: ATM (ATM serine/threonine kinase; plus strand). Cytogenetic location: 11q22.3.
Variant type: single nucleotide variant.
Coding change: c.4986T>A on transcript NM_000051.4 (MANE Select); coding-DNA position 4986, T replaced by A.
Protein change: p.Thr1662=; no amino-acid change (threonine 1662 retained).
Molecular consequence: synonymous variant.
Genome position (GRCh38, 1-based): chr11:108,297,363, T>A. VCF-style: chr11-108297363-T-A. GRCh37 (hg19) VCF-style: chr11-108168090-T-A.
Other names: c.4986T>A, p.Thr1662= (NM_001351834.2).
Identifiers: ClinVar variation 850309 (VCV000850309.11), dbSNP rs2083180883, ClinGen allele CA476674622.
Genomic context (GRCh38, chr11:108,297,363, plus strand): 5'-GATTATGGTGAAACTAGTTGTCAATTTGTTGCAGTTATCCAAGATGGCAATAAACCACAC[T>A]GGTGAAAAAGAAGTTCTAGGTAAACTACAGTCATGCGCTGCGTGACATTTCAGTCAACTG-3'
Protein context (NP_000042.3, residues 1652-1672): LQLSKMAINH[Thr1662=]GEKEVLEAVG

ClinVar aggregate classification (germline): Conflicting classifications of pathogenicity. Review status: criteria provided, conflicting classifications (1 of 4 stars). 2 submissions from 2 submitters: Uncertain significance (1); Likely benign (1). Last evaluated 2025-08-26.

Conditions:
Ataxia-telangiectasia syndrome (AT). Also called: Ataxia-telangiectasia, complementation group E; Cerebello-oculocutaneous telangiectasia; Immunodeficiency with ataxia telangiectasia; Ataxia-telangiectasia, complementation group D; AT, COMPLEMENTATION GROUP C; Ataxia-telangiectasia. Identifiers: Orphanet 100, MedGen C0004135, MONDO:0008840, OMIM 208900.
Hereditary cancer-predisposing syndrome. Also called: Neoplastic Syndromes, Hereditary; Hereditary Cancer Syndrome; Hereditary neoplastic syndrome; Tumor predisposition. Identifiers: Orphanet 140162, MedGen C0027672, MeSH D009386, MONDO:0015356.

Submissions (2):

Labcorp Genetics (formerly Invitae), Labcorp
Classification: Uncertain significance for Ataxia-telangiectasia syndrome. Last evaluated: 2025-08-26. Review status: criteria provided, single submitter. Criteria: Invitae Variant Classification Sherloc (09022015). Collection method: clinical testing. Allele origin: germline.
Comment: This sequence change affects codon 1662 of the ATM mRNA. It is a 'silent' change, meaning that it does not change the encoded amino acid sequence of the ATM protein. This variant is not present in population databases (gnomAD no frequency). This variant has not been reported in the literature in individuals affected with ATM-related conditions. ClinVar contains an entry for this variant (Variation ID: 850309). Algorithms developed to predict the effect of sequence changes on RNA splicing suggest that this variant may disrupt the consensus splice site. In summary, the available evidence is currently insufficient to determine the role of this variant in disease. Therefore, it has been classified as a Variant of Uncertain Significance.

Ambry Genetics
Classification: Likely benign for Hereditary cancer-predisposing syndrome. Last evaluated: 2022-06-22. Review status: criteria provided, single submitter. Criteria: Ambry Variant Classification Scheme 2023. Collection method: clinical testing. Allele origin: germline.